The following is an entry in ClinVar:

ClinVar aggregate classification (germline): Conflicting classifications of pathogenicity. Review status: criteria provided, conflicting classifications (1 of 4 stars). 3 submissions from 3 submitters: Uncertain significance (2); Likely benign (1). Last evaluated 2023-09-23.

Conditions:
Treacher Collins syndrome 1 (TCS1). Also called: TCOF1-Related Treacher Collins Syndrome. Identifiers: Orphanet 861, MedGen CN315775, MONDO:0007944, OMIM 154500.
Inborn genetic diseases. Identifiers: MedGen C0950123, MeSH D030342.

Allele frequency attached by ClinVar (database versions not stated): gnomAD exomes 0.00001 and 0.00008; gnomAD 0.00002 and 0.00003; TOPMed 0.00003; ExAC 0.00008; 1000 Genomes Project 30x 0.00016; 1000 Genomes Project 0.00020.
gnomAD v4.1: 21 of 1,614,218 alleles (0.0013%); highest among the groups gnomAD compares: East Asian, 0.045%; no homozygotes.

Submissions (3):

Ambry Genetics
Classification: Uncertain significance for Inborn genetic diseases. Last evaluated: 2023-09-23. Review status: criteria provided, single submitter. Criteria: Ambry Variant Classification Scheme 2023. Collection method: clinical testing. Allele origin: germline.

GeneDx
Classification: Uncertain significance. Last evaluated: 2023-04-17. Review status: criteria provided, single submitter. Criteria: GeneDx Variant Classification Process June 2021. Collection method: clinical testing. Allele origin: germline. Affected: yes.
Comment: In silico analysis supports that this missense variant has a deleterious effect on protein structure/function; Has not been previously published as pathogenic or benign to our knowledge

Labcorp Genetics (formerly Invitae), Labcorp
Classification: Likely benign for Treacher Collins syndrome 1. Last evaluated: 2022-02-04. Review status: criteria provided, single submitter. Criteria: Invitae Variant Classification Sherloc (09022015). Collection method: clinical testing. Allele origin: germline.

NM_001371623.1(TCOF1):c.3053G>T (p.Arg1018Ile)

Gene: TCOF1 (treacle ribosome biogenesis factor 1; plus strand). Cytogenetic location: 5q32.
Variant type: single nucleotide variant.
Coding change: c.3053G>T on transcript NM_001371623.1 (MANE Select); coding-DNA position 3053, G replaced by T.
Protein change: p.Arg1018Ile; replaces arginine 1018 with isoleucine.
Molecular consequence: missense variant.
Genome position (GRCh38, 1-based): chr5:150,389,893, G>T. VCF-style: chr5-150389893-G-T. GRCh37 (hg19) VCF-style: chr5-149769456-G-T.
Other names: c.2822G>T, p.Arg941Ile (NM_000356.4, NM_001135245.2); c.3053G>T, p.Arg1018Ile (NM_001135243.2, NM_001135244.2, NM_001195141.2); short protein forms R1018I, R941I.
Identifiers: ClinVar variation 757911 (VCV000757911.12), dbSNP rs532465195, ClinGen allele CA3511402.
Genomic context (GRCh38, chr5:150,389,893, plus strand): 5'-AGGAGGCGATGGGGCTTTTGTGCCCTGATGTGCCCCCATCTCGCTCCATTTCAGGCATCA[G>T]AACCAATGTGGTGACCATGCCCACTGCCCACCCAAGAATAGCCCCCAAAGCCAGCATGGC-3'
Protein context (NP_001358552.1, residues 1008-1028): PATQCLTPGI[Arg1018Ile]TNVVTMPTAH